The following is an entry in ClinVar:

NC_000012.11:g.(88519147_88520092)_(88530564_88532921)del

Gene: CEP290 (centrosomal protein 290; minus strand). Cytogenetic location: 12q21.32.
Variant type: Deletion.
Identifiers: ClinVar variation 3375372 (VCV003375372.1).

ClinVar aggregate classification (germline): Pathogenic (1 of 4 stars; one submission).

Conditions:
Meckel syndrome, type 4 (MKS4). Also called: MECKEL-GRUBER SYNDROME, TYPE 4. Identifiers: Orphanet 564, MedGen C1970161, MONDO:0012626, OMIM 611134.

Submission:

Women's Health and Genetics/Laboratory Corporation of America, LabCorp
Classification: Pathogenic for Meckel syndrome, type 4. Last evaluated: 2024-09-19. Review status: criteria provided, single submitter. Criteria: LabCorp Variant Classification Summary - May 2015. Collection method: clinical testing. Allele origin: germline.
Comment: Variant summary: The variant involves the deletion of exons 6-12 in the CEP290 gene. A presumed nomenclature of c.(297+1_298-1)_(1065+1_1066-1)del has been designated for the purposes of this classification. This Copy Number Variant (CNV) is expected to alter the reading frame and predicted to result in a truncation or absence of the encoded protein due to nonsense mediated decay (NMD). The variant was absent in 21694 control chromosomes. To our knowledge, no occurrence of c.(297+1_298-1)_(1065+1_1066-1)del in individuals affected with Meckel Syndrome Type 4 and no experimental evidence demonstrating its impact on protein function have been reported. No submitters have cited clinical-significance assessments for this variant to ClinVar. Based on the evidence outlined above, the variant was classified as pathogenic.